The following is an entry in ClinVar:

NM_016203.4(PRKAG2):c.1321C>A (p.Pro441Thr)

Gene: PRKAG2 (protein kinase AMP-activated non-catalytic subunit gamma 2; minus strand). Cytogenetic location: 7q36.1.
Variant type: single nucleotide variant.
Coding change: c.1321C>A on transcript NM_016203.4 (MANE Select); coding-DNA position 1321, C replaced by A.
Protein change: p.Pro441Thr; replaces proline 441 with threonine.
Molecular consequence: missense variant.
Genome position (GRCh38, 1-based): chr7:151,565,798, G>T on the plus strand (C>A on the coding strand, the complement: PRKAG2 is on the minus strand). VCF-style: chr7-151565798-G-T. GRCh37 (hg19) VCF-style: chr7-151262884-G-T.
Other names: c.598C>A, p.Pro200Thr (NM_024429.2, NM_001304531.2, NM_001407034.1 and 1 more transcripts); c.1318C>A, p.Pro440Thr (NM_001407022.1, NM_001407023.1); c.1189C>A, p.Pro397Thr (NM_001407024.1, NM_001040633.2); c.1186C>A, p.Pro396Thr (NM_001407026.1, NM_001407027.1); c.949C>A, p.Pro317Thr (NM_001407028.1, NM_001363698.2); c.946C>A, p.Pro316Thr (NM_001407029.1, NM_001304527.2); c.1033C>A, p.Pro345Thr (NM_001407030.1); c.1030C>A, p.Pro344Thr (NM_001407031.1); and 6 more; short protein forms P199T, P200T, P216T, P220T, P316T, P317T, P333T, P335T.
Identifiers: ClinVar variation 4530800 (VCV004530800.1).
Genomic context (GRCh38, chr7:151,565,798, plus strand): 5'-GCAGAGCTGATATTCGTCTTTCCACAAATATGTTCAAGGCTTTGATGATGGGAGTGTCTG[G>T]ATGTATGAAGGCAATGTTGTGGTACGTTCCTATTCCAAGCTCATCCAGGTTCTGCTTCAT-3'
Protein context (NP_057287.2, residues 431-451): GTYHNIAFIH[Pro441Thr]DTPIIKALNI

ClinVar aggregate classification (germline): Uncertain significance (1 of 4 stars; one submission).

Submission:

GeneDx
Classification: Uncertain significance. Last evaluated: 2025-05-19. Review status: criteria provided, single submitter. Criteria: GeneDx Variant Classification Process June 2021. Collection method: clinical testing. Allele origin: germline. Affected: yes.
Comment: Not observed at significant frequency in large population cohorts (gnomAD); In silico analysis supports that this missense variant has a deleterious effect on protein structure/function; Has not been previously published as pathogenic or benign to our knowledge